The following is an entry in ClinVar:

NM_004006.3(DMD):c.1949G>T (p.Cys650Phe)

Gene: DMD (dystrophin; minus strand). Cytogenetic location: Xp21.1.
Variant type: single nucleotide variant.
Coding change: c.1949G>T on transcript NM_004006.3 (MANE Select); coding-DNA position 1949, G replaced by T.
Protein change: p.Cys650Phe; replaces cysteine 650 with phenylalanine.
Molecular consequence: missense variant.
Genome position (GRCh38, 1-based): chrX:32,565,745, C>A on the plus strand (G>T on the coding strand, the complement: DMD is on the minus strand). VCF-style: chrX-32565745-C-A. GRCh37 (hg19) VCF-style: chrX-32583862-C-A.
Other names: c.1925G>T, p.Cys642Phe (NM_000109.4); c.1937G>T, p.Cys646Phe (NM_004009.3); c.1580G>T, p.Cys527Phe (NM_004010.3); short protein forms C650F, C646F, C527F, C642F.
Identifiers: ClinVar variation 1466915 (VCV001466915.8), dbSNP rs2149094726, ClinGen allele CA412672395.

ClinVar aggregate classification (germline): Uncertain significance (1 of 4 stars; one submission).

Conditions:
Duchenne muscular dystrophy (DMD). Also called: Duchenne Muscular Dystrophy (DMD); MUSCULAR DYSTROPHY, PSEUDOHYPERTROPHIC PROGRESSIVE, DUCHENNE TYPE. Identifiers: Orphanet 98896, MedGen C0013264, MONDO:0010679, OMIM 310200.

gnomAD v4.1: 2 of 1,211,779 alleles (0.00017%); highest among the groups gnomAD compares: East Asian, 0.003%; no homozygotes.

Submission:

Labcorp Genetics (formerly Invitae), Labcorp
Classification: Uncertain significance for Duchenne muscular dystrophy. Last evaluated: 2023-10-27. Review status: criteria provided, single submitter. Criteria: Invitae Variant Classification Sherloc (09022015). Collection method: clinical testing. Allele origin: germline.
Comment: This sequence change replaces cysteine, which is neutral and slightly polar, with phenylalanine, which is neutral and non-polar, at codon 650 of the DMD protein (p.Cys650Phe). This variant is not present in population databases (gnomAD no frequency). This variant has not been reported in the literature in individuals affected with DMD-related conditions. ClinVar contains an entry for this variant (Variation ID: 1466915). Advanced modeling of protein sequence and biophysical properties (such as structural, functional, and spatial information, amino acid conservation, physicochemical variation, residue mobility, and thermodynamic stability) performed at Invitae indicates that this missense variant is not expected to disrupt DMD protein function with a negative predictive value of 95%. In summary, the available evidence is currently insufficient to determine the role of this variant in disease. Therefore, it has been classified as a Variant of Uncertain Significance.